The following is an entry in ClinVar:

NM_001271.4(CHD2):c.631G>A (p.Asp211Asn)

Gene: CHD2 (chromodomain helicase DNA binding protein 2; plus strand). Cytogenetic location: 15q26.1.
Variant type: single nucleotide variant.
Coding change: c.631G>A on transcript NM_001271.4 (MANE Select); coding-DNA position 631, G replaced by A.
Protein change: p.Asp211Asn; replaces aspartic acid 211 with asparagine.
Molecular consequence: missense variant.
Genome position (GRCh38, 1-based): chr15:92,939,657, G>A. VCF-style: chr15-92939657-G-A. GRCh37 (hg19) VCF-style: chr15-93482887-G-A.
Other names: c.631G>A, p.Asp211Asn (NM_001042572.3); short protein forms D211N.
Identifiers: ClinVar variation 3017782 (VCV003017782.3), dbSNP rs2141778445, ClinGen allele CA393900142.

ClinVar aggregate classification (germline): Uncertain significance (1 of 4 stars; one submission).

Conditions:
Developmental and epileptic encephalopathy 94 (DEE94). Also called: Epileptic encephalopathy, childhood-onset; CHD2-Related Neurodevelopmental Disorders. Identifiers: Orphanet 1942, Orphanet 2382, MedGen C3809278, MONDO:0014150, OMIM 615369.

Submission:

Labcorp Genetics (formerly Invitae), Labcorp
Classification: Uncertain significance for Developmental and epileptic encephalopathy 94. Last evaluated: 2023-10-17. Review status: criteria provided, single submitter. Criteria: Invitae Variant Classification Sherloc (09022015). Collection method: clinical testing. Allele origin: germline.
Comment: This sequence change replaces aspartic acid, which is acidic and polar, with asparagine, which is neutral and polar, at codon 211 of the CHD2 protein (p.Asp211Asn). This variant is not present in population databases (gnomAD no frequency). This variant has not been reported in the literature in individuals affected with CHD2-related conditions. Advanced modeling of protein sequence and biophysical properties (such as structural, functional, and spatial information, amino acid conservation, physicochemical variation, residue mobility, and thermodynamic stability) performed at Invitae indicates that this missense variant is not expected to disrupt CHD2 protein function. In summary, the available evidence is currently insufficient to determine the role of this variant in disease. Therefore, it has been classified as a Variant of Uncertain Significance.